The following is an entry in ClinVar:

ClinVar aggregate classification (germline): Uncertain significance (1 of 4 stars; one submission).

Submission:

GeneDx
Classification: Uncertain significance. Last evaluated: 2025-03-26. Review status: criteria provided, single submitter. Criteria: GeneDx Variant Classification Process June 2021. Collection method: clinical testing. Allele origin: germline. Affected: yes.
Comment: In silico analysis supports that this missense variant has a deleterious effect on protein structure/function; Has not been previously published as pathogenic or benign to our knowledge

NM_006424.3(SLC34A2):c.1796C>T (p.Ser599Leu)

Gene: SLC34A2 (solute carrier family 34 member 2; plus strand). Cytogenetic location: 4p15.2.
Variant type: single nucleotide variant.
Coding change: c.1796C>T on transcript NM_006424.3 (MANE Select); coding-DNA position 1796, C replaced by T.
Protein change: p.Ser599Leu; replaces serine 599 with leucine.
Molecular consequence: missense variant.
Genome position (GRCh38, 1-based): chr4:25,676,472, C>T. VCF-style: chr4-25676472-C-T. GRCh37 (hg19) VCF-style: chr4-25678094-C-T.
Other names: c.1793C>T, p.Ser598Leu (NM_001177999.2, NM_001177998.2); short protein forms S599L, S598L.
Identifiers: ClinVar variation 4088158 (VCV004088158.1).
Genomic context (GRCh38, chr4:25,676,472, plus strand): 5'-GCCCACGCGTCCTGCCGAAGAAACTCCAGAACTGGAACTTCCTGCCGCTGTGGATGCGCT[C>T]GCTGAAGCCCTGGGATGCCGTCGTCTCCAAGTTCACCGGCTGCTTCCAGATGCGCTGCTG-3'
Protein context (NP_006415.3, residues 589-609): NWNFLPLWMR[Ser599Leu]LKPWDAVVSK